The following is an entry in ClinVar:

ClinVar aggregate classification (germline): Pathogenic/Likely pathogenic. Review status: criteria provided, multiple submitters, no conflicts (2 of 4 stars). 3 submissions from 3 submitters: Pathogenic (2); Likely pathogenic (1). Last evaluated 2026-06-11.

Conditions:
GATA2 deficiency with susceptibility to MDS/AML. Identifiers: MedGen CN300066, MONDO:0042982.
Deafness-lymphedema-leukemia syndrome. Also called: Lymphedema, primary, with myelodysplasia; Emberger syndrome. Identifiers: Orphanet 3226, MedGen C3279664, MONDO:0013540, OMIM 614038.
Inborn genetic diseases. Identifiers: MedGen C0950123, MeSH D030342.
Monocytopenia with susceptibility to infections. Also called: MONOCYTOPENIA AND MYCOBACTERIAL INFECTION SYNDROME; MONOCYTOPENIA WITH SUSCEPTIBILITY TO MYCOBACTERIAL, FUNGAL, AND PAPILLOMAVIRUS INFECTIONS AND MYELODYSPLASIA; COMBINED IMMUNODEFICIENCY WITH SUSCEPTIBILITY TO MYCOBACTERIAL, VIRAL, AND FUNGAL INFECTIONS; Dendritic cell, monocyte, B lymphocyte, and natural killer lymphocyte deficiency; IMMUNODEFICIENCY 21; GATA2 DEFICIENCY. Identifiers: Orphanet 228423, MedGen C3280030, MONDO:0013607, OMIM 614172.

Submissions (3):

Ambry Genetics
Classification: Likely pathogenic for Inborn genetic diseases. Last evaluated: 2026-06-11. Review status: criteria provided, single submitter. Criteria: Ambry Variant Classification Scheme 2023. Collection method: clinical testing. Allele origin: germline.
Comment: The c.1018-2A>G intronic variant results from an A to G substitution two nucleotides upstream from coding exon 4 in the GATA2 gene. This variant was reported in individual with features consistent with GATA2 deficiency syndrome. (Wlodarski MW et al. Blood, 2016 Mar;127:1387-97; quiz 1518). This variant is considered to be rare based on population cohorts in the Genome Aggregation Database (gnomAD). This nucleotide position is highly conserved in available vertebrate species. In silico splice site analysis predicts that this alteration will weaken the native splice acceptor site and will result in the creation or strengthening of a novel splice acceptor site. RNA studies have demonstrated that this variant results in abnormal splicing in the set of samples tested (Ambry internal data). Based on the majority of available evidence to date, this variant is likely to be pathogenic.

Labcorp Genetics (formerly Invitae), Labcorp
Classification: Pathogenic for Monocytopenia with susceptibility to infections; Deafness-lymphedema-leukemia syndrome. Last evaluated: 2022-05-15. Review status: criteria provided, single submitter. Criteria: Invitae Variant Classification Sherloc (09022015). Collection method: clinical testing. Allele origin: germline.
Comment: For these reasons, this variant has been classified as Pathogenic. Studies have shown that disruption of this splice site alters mRNA splicing and is expected to lead to the loss of protein expression (PMID: 26022708). ClinVar contains an entry for this variant (Variation ID: 1184181). Disruption of this splice site has been observed in individual(s) with clinical features of GATA2-related conditions (PMID: 26022708, 26702063). This variant is not present in population databases (gnomAD no frequency). This sequence change affects an acceptor splice site in intron 4 of the GATA2 gene. It is expected to disrupt RNA splicing. Variants that disrupt the donor or acceptor splice site typically lead to a loss of protein function (PMID: 16199547), and loss-of-function variants in GATA2 are known to be pathogenic (PMID: 21670465, 23223431).

Molecular Pathology Research Laboratory, SA Pathology
Classification: Pathogenic for GATA2 deficiency with susceptibility to MDS/AML; Deafness-lymphedema-leukemia syndrome. Last evaluated: 2021-07-06. Review status: criteria provided, single submitter. Criteria: ACMG Guidelines, 2015. Collection method: curation. Allele origin: germline. Inheritance: Autosomal dominant inheritance. Affected: yes. Observed: 2 variant alleles.
Comment: PVS1, PS4_Moderate, PM2

Literature cited by the submitters: PubMed 26702063 (cited by Ambry Genetics and Labcorp Genetics (formerly Invitae), Labcorp); PubMed 26022708 (cited by Labcorp Genetics (formerly Invitae), Labcorp and Molecular Pathology Research Laboratory, SA Pathology); PubMed 16199547 (cited by Labcorp Genetics (formerly Invitae), Labcorp); PubMed 21670465 (cited by Labcorp Genetics (formerly Invitae), Labcorp); PubMed 23223431 (cited by Labcorp Genetics (formerly Invitae), Labcorp).

NM_032638.5(GATA2):c.1018-2A>G

Gene: GATA2 (GATA binding protein 2; minus strand). Cytogenetic location: 3q21.3.
Variant type: single nucleotide variant.
Coding change: c.1018-2A>G on transcript NM_032638.5 (MANE Select); the canonical splice acceptor site of the intron before coding-DNA position 1018, A replaced by G.
Molecular consequence: splice acceptor variant. On other transcripts: intron variant (1).
Genome position (GRCh38, 1-based): chr3:128,481,946, T>C on the plus strand (A>G on the coding strand, the complement: GATA2 is on the minus strand). VCF-style: chr3-128481946-T-C. GRCh37 (hg19) VCF-style: chr3-128200789-T-C.
Other names: c.1018-44A>G (NM_001145662.1); c.1018-2A>G (NM_001145661.2, NM_032638.4).
Identifiers: ClinVar variation 1184181 (VCV001184181.7), dbSNP rs1576745322, ClinGen allele CA354413717.
Genomic context (GRCh38, chr3:128,481,946, plus strand): 5'-AAGGTGGTGGTTGTCGTCTGACAATTTGCACAACAGGTGCCGGCTCTTCTGGCGGCCGAC[T>C]GGGAGGGCAAGGCAGCGTCAGCAGGCTGGACTCCCACGCCCACCTCGACCCCCCTCCCTG-3'